The following is an entry in ClinVar:

ClinVar aggregate classification (germline): Uncertain significance (0 of 4 stars; one submission).

Conditions:
POGZ-related disorder. Also called: POGZ-related condition.

gnomAD v4.1: 2 of 1,609,816 alleles (0.00012%); highest among the groups gnomAD compares: Non-Finnish European, 0.00017%; no homozygotes.

Submission:

PreventionGenetics, part of Exact Sciences
Classification: Uncertain significance for POGZ-related condition. Last evaluated: 2024-08-29. Review status: no assertion criteria provided. Collection method: clinical testing. Allele origin: germline.
Comment: The POGZ c.1780G>T variant is predicted to result in the amino acid substitution p.Val594Leu. To our knowledge, this variant has not been reported in the literature. In gnomAD v4 (available only on GRCh38), this variant is reported in 2 alleles globally. Although we suspect that this variant may be pathogenic, at this time, the clinical significance of this variant is uncertain due to the absence of conclusive functional and genetic evidence.

NM_015100.4(POGZ):c.1780G>T (p.Val594Leu)

Gene: POGZ (pogo transposable element derived with ZNF domain; minus strand). Cytogenetic location: 1q21.3.
Variant type: single nucleotide variant.
Coding change: c.1780G>T on transcript NM_015100.4 (MANE Select); coding-DNA position 1780, G replaced by T.
Protein change: p.Val594Leu; replaces valine 594 with leucine.
Molecular consequence: missense variant.
Genome position (GRCh38, 1-based): chr1:151,411,771, C>A on the plus strand (G>T on the coding strand, the complement: POGZ is on the minus strand). VCF-style: chr1-151411771-C-A. GRCh37 (hg19) VCF-style: chr1-151384247-C-A.
Other names: c.1753G>T, p.Val585Leu (NM_001194937.2); c.1594G>T, p.Val532Leu (NM_001194938.2); c.1801G>T, p.Val601Leu (NM_001410860.1); c.1495G>T, p.Val499Leu (NM_145796.4); c.1621G>T, p.Val541Leu (NM_207171.2); short protein forms V499L, V532L, V541L, V585L, V594L, V601L.
Identifiers: ClinVar variation 3356196 (VCV003356196.1).